The following is an entry in ClinVar:

ClinVar aggregate classification (germline): Benign/Likely benign. Review status: criteria provided, multiple submitters, no conflicts (2 of 4 stars). 7 submissions from 7 submitters: Benign (1); Likely benign (6). Last evaluated 2026-01-28.

Conditions:
Hereditary cancer-predisposing syndrome. Also called: Neoplastic Syndromes, Hereditary; Hereditary neoplastic syndrome; Hereditary Cancer Syndrome; Tumor predisposition. Identifiers: Orphanet 140162, MedGen C0027672, MeSH D009386, MONDO:0015356.
POLD1-related polyposis and colorectal cancer syndrome (CRCS10). Also called: Colorectal cancer, susceptibility to, 10; Colorectal cancer 10; COLORECTAL CANCER, SUSCEPTIBILITY TO, ON CHROMOSOME 19q. Identifiers: Orphanet 220460, MedGen C2675481, MONDO:0012953, OMIM 612591.

Allele frequency attached by ClinVar (database versions not stated): gnomAD exomes below 0.00001; TOPMed below 0.00001.
gnomAD v4.1: 7 of 1,613,676 alleles (0.00043%); highest among the groups gnomAD compares: Middle Eastern, 0.033%; no homozygotes.

Submissions (7):

Labcorp Genetics (formerly Invitae), Labcorp
Classification: Likely benign for POLD1-related polyposis and colorectal cancer syndrome. Last evaluated: 2026-01-28. Review status: criteria provided, single submitter. Criteria: Invitae Variant Classification Sherloc (09022015). Collection method: clinical testing. Allele origin: germline.

Center for Genomic Medicine, Rigshospitalet, Copenhagen University Hospital
Classification: Likely benign. Last evaluated: 2025-12-29. Review status: criteria provided, single submitter. Criteria: ACMG Guidelines, 2015. Collection method: clinical testing. Allele origin: germline.

Mayo Clinic Laboratories, Mayo Clinic
Classification: Likely benign. Last evaluated: 2025-06-05. Review status: criteria provided, single submitter. Criteria: ACMG Guidelines, 2015. Collection method: clinical testing. Allele origin: germline. Observed: 1 variant allele.
Comment: BP4, BP7

KCCC/NGS Laboratory, Kuwait Cancer Control Center
Classification: Benign for POLD1-related polyposis and colorectal cancer syndrome. Last evaluated: 2025-02-01. Review status: criteria provided, single submitter. Criteria: ACMG Guidelines, 2015. Collection method: clinical testing. Allele origin: germline. Affected: no.

GeneDx
Classification: Likely benign. Last evaluated: 2018-05-31. Review status: criteria provided, single submitter. Criteria: GeneDx Variant Classification (06012015). Collection method: clinical testing. Allele origin: germline. Affected: yes.
Comment: This variant is considered likely benign or benign based on one or more of the following criteria: it is a conservative change, it occurs at a poorly conserved position in the protein, it is predicted to be benign by multiple in silico algorithms, and/or has population frequency not consistent with disease.

Ambry Genetics
Classification: Likely benign for Hereditary cancer-predisposing syndrome. Last evaluated: 2016-06-06. Review status: criteria provided, single submitter. Criteria: Ambry Variant Classification Scheme 2023. Collection method: clinical testing. Allele origin: germline.

Breakthrough Genomics
Classification: Likely benign. Review status: criteria provided, single submitter. Criteria: ACMG Guidelines, 2015. Collection method: not provided. Allele origin: germline. Inheritance: Autosomal dominant inheritance. Affected: yes.

NM_002691.4(POLD1):c.1611G>A (p.Arg537=)

Gene: POLD1 (DNA polymerase delta 1, catalytic subunit; plus strand). Cytogenetic location: 19q13.33.
Variant type: single nucleotide variant.
Coding change: c.1611G>A on transcript NM_002691.4 (MANE Select); coding-DNA position 1611, G replaced by A.
Protein change: p.Arg537=; no amino-acid change (arginine 537 retained).
Molecular consequence: synonymous variant. On other transcripts: non-coding transcript variant (1).
Genome position (GRCh38, 1-based): chr19:50,407,099, G>A. VCF-style: chr19-50407099-G-A. GRCh37 (hg19) VCF-style: chr19-50910356-G-A.
Other names: p.Arg537=; c.1611G>A, p.Arg537= (NM_001256849.1, NM_001308632.1).
Identifiers: ClinVar variation 414764 (VCV000414764.21), dbSNP rs1060504357, ClinGen allele CA16616148.
Genomic context (GRCh38, chr19:50,407,099, plus strand): 5'-CCTGCCACTGCGGCTGCTGGAGCGGCTCATGGTGCTGGTGAACGCCGTGGAGATGGCGAG[G>A]GTCACTGGCGTGCCCCTCAGCTACCTGCTCAGTCGTGGCCAGCAGGTCAAGGTCGTATCC-3'
Protein context (NP_002682.2, residues 527-547): MVLVNAVEMA[Arg537=]VTGVPLSYLL